The following is an entry in ClinVar:

ClinVar aggregate classification (germline): Conflicting classifications of pathogenicity. Review status: criteria provided, conflicting classifications (1 of 4 stars). 2 submissions from 2 submitters: Likely pathogenic (1); Uncertain significance (1). Last evaluated 2023-07-12.

Conditions:
Immunodeficiency 57. Also called: IMMUNODEFICIENCY 57 WITH AUTOINFLAMMATION. Identifiers: MedGen C4748212, MONDO:0020849, OMIM 618108.

Submissions (2):

Labcorp Genetics (formerly Invitae), Labcorp
Classification: Uncertain significance. Last evaluated: 2023-07-12. Review status: criteria provided, single submitter. Criteria: Invitae Variant Classification Sherloc (09022015). Collection method: clinical testing. Allele origin: germline.
Comment: This sequence change creates a premature translational stop signal (p.Asn561Lysfs*12) in the RIPK1 gene. While this is not anticipated to result in nonsense mediated decay, it is expected to disrupt the last 111 amino acid(s) of the RIPK1 protein. In summary, the available evidence is currently insufficient to determine the role of this variant in disease. Therefore, it has been classified as a Variant of Uncertain Significance. This variant disrupts a region of the RIPK1 protein in which other variant(s) (p.Thr645Met) have been observed in individuals with RIPK1-related conditions (PMID: 30591564, 32181283). This suggests that this is a clinically significant region of the protein, and that variants that disrupt it are likely to be disease-causing. ClinVar contains an entry for this variant (Variation ID: 1961792). This variant has not been reported in the literature in individuals affected with RIPK1-related conditions. This variant is not present in population databases (gnomAD no frequency).

Baylor Genetics
Classification: Likely pathogenic for Immunodeficiency 57. Last evaluated: 2022-10-06. Review status: criteria provided, single submitter. Criteria: ACMG Guidelines, 2015. Collection method: clinical testing. Allele origin: unknown.

Literature cited by the submitters: PubMed 30591564 (cited by Labcorp Genetics (formerly Invitae), Labcorp); PubMed 32181283 (cited by Labcorp Genetics (formerly Invitae), Labcorp).

NM_001354930.2(RIPK1):c.1682_1683insAAAA (p.Asn561fs)

Gene: RIPK1 (receptor interacting serine/threonine kinase 1; plus strand). Cytogenetic location: 6p25.2.
Variant type: Insertion.
Coding change: c.1682_1683insAAAA on transcript NM_001354930.2 (MANE Select); coding-DNA positions 1682 to 1683, AAAA inserted.
Protein change: p.Asn561fs; shifts the reading frame from asparagine 561.
Molecular consequence: frameshift variant.
Genome position: GRCh38 VCF-style: chr6-3110905-C-CAAAA. GRCh37 (hg19) VCF-style: chr6-3111139-C-CAAAA.
Other names: c.1193_1194insAAAA, p.Asn398fs (NM_001317061.3, NM_001354932.2, NM_001354933.2 and 1 more transcripts); c.1544_1545insAAAA, p.Asn515fs (NM_001354931.2); c.1682_1683insAAAA, p.Asn561fs (NM_003804.6); short protein forms N398fs, N515fs, N561fs.
Identifiers: ClinVar variation 1961792 (VCV001961792.6), dbSNP rs2533382987, ClinGen allele CA2580074204.
Genomic context (GRCh38, chr6:3,110,905, plus strand): 5'-AGATTGGAGCCTACAATTATATGGAGATTGGTGGGACGAGTTCATCACTACTAGACAGCA[C>CAAAA]AAATACGAACTTCAAAGAAGAGCCAGCTGCTAAGTACCAAGCTATCTTTGGTAAGATACC-3'